The following is an entry in ClinVar:

NM_001939.3(DRP2):c.2637C>G (p.Thr879=)

Gene: DRP2 (dystrophin related protein 2; plus strand). Cytogenetic location: Xq22.1.
Variant type: single nucleotide variant.
Coding change: c.2637C>G on transcript NM_001939.3 (MANE Select); coding-DNA position 2637, C replaced by G.
Protein change: p.Thr879=; no amino-acid change (threonine 879 retained).
Molecular consequence: synonymous variant.
Genome position (GRCh38, 1-based): chrX:101,260,057, C>G. VCF-style: chrX-101260057-C-G. GRCh37 (hg19) VCF-style: chrX-100515046-C-G.
Other names: c.2403C>G, p.Thr801= (NM_001171184.2).
Identifiers: ClinVar variation 3895747 (VCV003895747.1).

ClinVar aggregate classification (germline): Likely benign (1 of 4 stars; one submission).

gnomAD v4.1: 1 of 1,211,371 alleles (0.000083%); highest among the groups gnomAD compares: Non-Finnish European, 0.00011%; no homozygotes.

Submission:

Women's Health and Genetics/Laboratory Corporation of America, LabCorp
Classification: Likely benign. Last evaluated: 2025-03-10. Review status: criteria provided, single submitter. Criteria: LabCorp Variant Classification Summary - May 2015. Collection method: clinical testing. Allele origin: germline.
Comment: Variant summary: DRP2 c.2637C>G alters a conserved nucleotide resulting in a synonymous change. Consensus agreement among computation tools predict no significant impact on normal splicing. However, these predictions have yet to be confirmed by functional studies. The variant was absent in 182599 control chromosomes. The available data on variant occurrences in the general population are insufficient to allow any conclusion about variant significance. To our knowledge, no occurrence of c.2637C>G in individuals affected with Charcot-Marie-Tooth disease and no experimental evidence demonstrating its impact on protein function have been reported. No submitters have cited clinical-significance assessments for this variant to ClinVar. Based on the evidence outlined above, the variant was classified as likely benign.